The following is an entry in ClinVar:

NM_018489.3(ASH1L):c.45C>A (p.Ser15=)

Gene: ASH1L (ASH1 like histone lysine methyltransferase; minus strand). Cytogenetic location: 1q22.
Variant type: single nucleotide variant.
Coding change: c.45C>A on transcript NM_018489.3 (MANE Select); coding-DNA position 45, C replaced by A.
Protein change: p.Ser15=; no amino-acid change (serine 15 retained).
Molecular consequence: synonymous variant.
Genome position (GRCh38, 1-based): chr1:155,521,475, G>T on the plus strand (C>A on the coding strand, the complement: ASH1L is on the minus strand). VCF-style: chr1-155521475-G-T. GRCh37 (hg19) VCF-style: chr1-155491266-G-T.
Other names: c.45C>A, p.Ser15= (NM_001366177.2).
Identifiers: ClinVar variation 3389715 (VCV003389715.14).

ClinVar aggregate classification (germline): Likely benign (1 of 4 stars; one submission).

gnomAD v4.1: 1 of 1,613,804 alleles (0.000062%); highest among the groups gnomAD compares: Non-Finnish European, 0.000085%; no homozygotes.

Submission:

CeGaT Center for Human Genetics Tuebingen
Classification: Likely benign. Last evaluated: 2024-09-01. Review status: criteria provided, single submitter. Criteria: CeGaT Center For Human Genetics Tuebingen Variant Classification Criteria Version 2. Collection method: clinical testing. Allele origin: germline. Affected: yes. Observed: 1 variant allele.
Comment: ASH1L: BP4, BP7